The following is an entry in ClinVar:

ClinVar aggregate classification (germline): Uncertain significance. Review status: criteria provided, multiple submitters, no conflicts (2 of 4 stars). 2 submissions from 2 submitters: Uncertain significance (2). Last evaluated 2024-01-17.

Conditions:
Inborn genetic diseases. Identifiers: MedGen C0950123, MeSH D030342.

Allele frequency attached by ClinVar (database versions not stated): ESP Exome Variant Server 0.00008; ExAC 0.00010; gnomAD 0.00014; TOPMed 0.00015; gnomAD exomes 0.00019.
gnomAD v4.1: 286 of 1,595,436 alleles (0.018%); highest among the groups gnomAD compares: Non-Finnish European, 0.023%; no homozygotes.

Submissions (2):

Ambry Genetics
Classification: Uncertain significance for Inborn genetic diseases. Last evaluated: 2024-01-17. Review status: criteria provided, single submitter. Criteria: Ambry Variant Classification Scheme 2023. Collection method: clinical testing. Allele origin: germline.

Labcorp Genetics (formerly Invitae), Labcorp
Classification: Uncertain significance. Last evaluated: 2022-10-28. Review status: criteria provided, single submitter. Criteria: Invitae Variant Classification Sherloc (09022015). Collection method: clinical testing. Allele origin: germline.
Comment: This sequence change replaces alanine, which is neutral and non-polar, with glutamic acid, which is acidic and polar, at codon 445 of the MYO18B protein (p.Ala445Glu). This variant is present in population databases (rs369886795, gnomAD 0.02%). This variant has not been reported in the literature in individuals affected with MYO18B-related conditions. Algorithms developed to predict the effect of missense changes on protein structure and function output the following: SIFT: "Not Available"; PolyPhen-2: "Benign"; Align-GVGD: "Not Available". The glutamic acid amino acid residue is found in multiple mammalian species, which suggests that this missense change does not adversely affect protein function. In summary, the available evidence is currently insufficient to determine the role of this variant in disease. Therefore, it has been classified as a Variant of Uncertain Significance.

NM_032608.7(MYO18B):c.1334C>A (p.Ala445Glu)

Gene: MYO18B (myosin XVIIIB; plus strand). Cytogenetic location: 22q12.1.
Variant type: single nucleotide variant.
Coding change: c.1334C>A on transcript NM_032608.7 (MANE Select); coding-DNA position 1334, C replaced by A.
Protein change: p.Ala445Glu; replaces alanine 445 with glutamic acid.
Molecular consequence: missense variant.
Genome position (GRCh38, 1-based): chr22:25,769,250, C>A. VCF-style: chr22-25769250-C-A. GRCh37 (hg19) VCF-style: chr22-26165217-C-A.
Other names: c.1334C>A, p.Ala445Glu (NM_001318245.2); c.1334C>A (NM_032608.5); short protein forms A445E.
Identifiers: ClinVar variation 2066864 (VCV002066864.2), dbSNP rs369886795, ClinGen allele CA10159806.